The following is an entry in ClinVar:

NM_005996.4(TBX3):c.1363G>A (p.Gly455Ser)

Gene: TBX3 (T-box transcription factor 3; minus strand). Cytogenetic location: 12q24.21.
Variant type: single nucleotide variant.
Coding change: c.1363G>A on transcript NM_005996.4 (MANE Select); coding-DNA position 1363, G replaced by A.
Protein change: p.Gly455Ser; replaces glycine 455 with serine.
Molecular consequence: missense variant.
Genome position (GRCh38, 1-based): chr12:114,674,512, C>T on the plus strand (G>A on the coding strand, the complement: TBX3 is on the minus strand). VCF-style: chr12-114674512-C-T. GRCh37 (hg19) VCF-style: chr12-115112317-C-T.
Other names: c.1423G>A, p.Gly475Ser (NM_016569.4); short protein forms G455S, G475S.
Identifiers: ClinVar variation 3354697 (VCV003354697.1).

ClinVar aggregate classification (germline): Uncertain significance (0 of 4 stars; one submission).

Conditions:
TBX3-related disorder. Also called: TBX3-related condition.

gnomAD v4.1: 3 of 1,511,582 alleles (0.0002%); highest among the groups gnomAD compares: Admixed American, 0.0022%; no homozygotes.

Submission:

PreventionGenetics, part of Exact Sciences
Classification: Uncertain significance for TBX3-related condition. Last evaluated: 2024-09-05. Review status: no assertion criteria provided. Collection method: clinical testing. Allele origin: germline.
Comment: The TBX3 c.1423G>A variant is predicted to result in the amino acid substitution p.Gly475Ser. To our knowledge, this variant has not been reported in the literature. This variant is reported in 0.0055% of alleles in individuals of Latino descent in gnomAD. At this time, the clinical significance of this variant is uncertain due to the absence of conclusive functional and genetic evidence.